The following is an entry in ClinVar:

ClinVar aggregate classification (germline): Uncertain significance (1 of 4 stars; one submission).

Allele frequency attached by ClinVar (database versions not stated): TOPMed below 0.00001; gnomAD exomes 0.00001.

Submission:

Labcorp Genetics (formerly Invitae), Labcorp
Classification: Uncertain significance. Last evaluated: 2020-09-16. Review status: criteria provided, single submitter. Criteria: Invitae Variant Classification Sherloc (09022015). Collection method: clinical testing. Allele origin: germline.
Comment: In summary, the available evidence is currently insufficient to determine the role of this variant in disease. Therefore, it has been classified as a Variant of Uncertain Significance. Algorithms developed to predict the effect of sequence changes on RNA splicing suggest that this variant may create or strengthen a splice site, but this prediction has not been confirmed by published transcriptional studies. Algorithms developed to predict the effect of missense changes on protein structure and function are either unavailable or do not agree on the potential impact of this missense change (SIFT: "Deleterious"; PolyPhen-2: "Benign"; Align-GVGD: "Class C25"). This variant has not been reported in the literature in individuals with ARL2BP-related conditions. This variant is not present in population databases (ExAC no frequency). This sequence change replaces histidine with arginine at codon 100 of the ARL2BP protein (p.His100Arg). The histidine residue is highly conserved and there is a small physicochemical difference between histidine and arginine.

NM_012106.4(ARL2BP):c.299A>G (p.His100Arg)

Gene: ARL2BP (ARF like GTPase 2 binding protein; plus strand). Cytogenetic location: 16q13.
Variant type: single nucleotide variant.
Coding change: c.299A>G on transcript NM_012106.4 (MANE Select); coding-DNA position 299, A replaced by G.
Protein change: p.His100Arg; replaces histidine 100 with arginine.
Molecular consequence: missense variant.
Genome position (GRCh38, 1-based): chr16:57,250,416, A>G. VCF-style: chr16-57250416-A-G. GRCh37 (hg19) VCF-style: chr16-57284328-A-G.
Other names: short protein forms H100R.
Identifiers: ClinVar variation 1059688 (VCV001059688.9), dbSNP rs1047657310, ClinGen allele CA281525762.
Genomic context (GRCh38, chr16:57,250,416, plus strand): 5'-TCTTGAGGACTGTCTCATCATTCATTCACGAAACAGCCATCTGTTCCGTTTGCAGGCACC[A>G]TAAGGATGAAGTGGCTGGTGACATATTCGACATGCTGCTCACCTTCACAGATTTTCTGGC-3'
Protein context (NP_036238.1, residues 90-110): MAAFTTTLQH[His100Arg]KDEVAGDIFD